The following is an entry in ClinVar:

ClinVar aggregate classification (germline): Uncertain significance (1 of 4 stars; one submission).

Submission:

Labcorp Genetics (formerly Invitae), Labcorp
Classification: Uncertain significance. Last evaluated: 2022-08-23. Review status: criteria provided, single submitter. Criteria: Invitae Variant Classification Sherloc (09022015). Collection method: clinical testing. Allele origin: germline.
Comment: In summary, the available evidence is currently insufficient to determine the role of this variant in disease. Therefore, it has been classified as a Variant of Uncertain Significance. Algorithms developed to predict the effect of sequence changes on RNA splicing suggest that this variant may disrupt the consensus splice site. This variant has not been reported in the literature in individuals affected with JAK2-related conditions. This variant is not present in population databases (gnomAD no frequency). This sequence change falls in intron 16 of the JAK2 gene. It does not directly change the encoded amino acid sequence of the JAK2 protein.

NM_004972.4(JAK2):c.2132-17T>C

Genes: INSL6 (insulin like 6; minus strand), JAK2 (Janus kinase 2; plus strand). Cytogenetic location: 9p24.1.
Variant type: single nucleotide variant.
Coding change: c.2132-17T>C on transcript NM_004972.4 (MANE Select); 17 bases into the intron before coding-DNA position 2132, T replaced by C.
Molecular consequence: intron variant.
Genome position (GRCh38, 1-based): chr9:5,080,212, T>C. VCF-style: chr9-5080212-T-C. GRCh37 (hg19) VCF-style: chr9-5080212-T-C.
Other names: c.2132-17T>C (NM_001322194.2, NM_001322195.2, NM_001322196.2); c.917-17T>C (NM_001322198.2, NM_001322199.2); c.1685-17T>C (NM_001322204.2).
Identifiers: ClinVar variation 2026584 (VCV002026584.4), dbSNP rs2489075381, ClinGen allele CA2580080211.